The following is an entry in ClinVar:

NM_172107.4(KCNQ2):c.1133C>T (p.Thr378Ile)

Gene: KCNQ2 (potassium voltage-gated channel subfamily Q member 2; minus strand). Cytogenetic location: 20q13.33.
Variant type: single nucleotide variant.
Coding change: c.1133C>T on transcript NM_172107.4 (MANE Select); coding-DNA position 1133, C replaced by T.
Protein change: p.Thr378Ile; replaces threonine 378 with isoleucine.
Molecular consequence: missense variant. On other transcripts: intron variant (1).
Genome position (GRCh38, 1-based): chr20:63,431,355, G>A on the plus strand (C>T on the coding strand, the complement: KCNQ2 is on the minus strand). VCF-style: chr20-63431355-G-A. GRCh37 (hg19) VCF-style: chr20-62062708-G-A.
Other names: c.1133C>T, p.Thr378Ile (NM_001382235.1, NM_172106.3, NM_172108.5); c.1118+2454C>T (NM_004518.6); short protein forms T378I.
Identifiers: ClinVar variation 3353861 (VCV003353861.2).

ClinVar aggregate classification (germline): Uncertain significance. Review status: criteria provided, single submitter (1 of 4 stars). 2 submissions from 2 submitters: Uncertain significance (1). 1 of the submissions does not count toward it. Last evaluated 2025-05-14.

Conditions:
KCNQ2-Related Disorders. Also called: KCNQ2-related disorder; KCNQ2-related condition. Identifiers: MedGen CN169299.
Early-infantile DEE. Also called: Early infantile epileptic encephalopathy; Ohtahara syndrome; Early infantile epileptic encephalopathy with suppression bursts. Identifiers: Orphanet 1934, MedGen C0393706, MONDO:0800491.

gnomAD v4.1: 1 of 1,613,820 alleles (0.000062%); highest among the groups gnomAD compares: Non-Finnish European, 0.000085%; no homozygotes.

Submissions (2):

Labcorp Genetics (formerly Invitae), Labcorp
Classification: Uncertain significance for Early-infantile DEE. Last evaluated: 2025-05-14. Review status: criteria provided, single submitter. Criteria: Invitae Variant Classification Sherloc (09022015). Collection method: clinical testing. Allele origin: germline.
Comment: This sequence change replaces threonine, which is neutral and polar, with isoleucine, which is neutral and non-polar, at codon 378 of the KCNQ2 protein (p.Thr378Ile). This variant is not present in population databases (gnomAD no frequency). This variant has not been reported in the literature in individuals affected with KCNQ2-related conditions. ClinVar contains an entry for this variant (Variation ID: 3353861). Invitae Evidence Modeling of protein sequence and biophysical properties (such as structural, functional, and spatial information, amino acid conservation, physicochemical variation, residue mobility, and thermodynamic stability) has been performed for this missense variant. However, the output from this modeling did not meet the statistical confidence thresholds required to predict the impact of this variant on KCNQ2 protein function. In summary, the available evidence is currently insufficient to determine the role of this variant in disease. Therefore, it has been classified as a Variant of Uncertain Significance.

PreventionGenetics, part of Exact Sciences
Classification: Uncertain significance for KCNQ2-related condition. Last evaluated: 2024-05-07. Review status: no assertion criteria provided. Collection method: clinical testing. Allele origin: germline. Not counted in ClinVar's aggregate classification.
Comment: The KCNQ2 c.1133C>T variant is predicted to result in the amino acid substitution p.Thr378Ile. To our knowledge, this variant has not been reported in the literature or in a large population database, indicating this variant is rare. At this time, the clinical significance of this variant is uncertain due to the absence of conclusive functional and genetic evidence.